The following is an entry in ClinVar:

ClinVar aggregate classification (germline): Uncertain significance (1 of 4 stars; one submission).

Submission:

GeneDx
Classification: Uncertain significance. Last evaluated: 2024-02-28. Review status: criteria provided, single submitter. Criteria: GeneDx Variant Classification Process June 2021. Collection method: clinical testing. Allele origin: germline. Affected: yes.
Comment: Not observed at significant frequency in large population cohorts (gnomAD); In silico analysis supports that this missense variant has a deleterious effect on protein structure/function; Has not been previously published as pathogenic or benign to our knowledge

NM_016239.4(MYO15A):c.10324C>T (p.Leu3442Phe)

Gene: MYO15A (myosin XVA; plus strand). Cytogenetic location: 17p11.2.
Variant type: single nucleotide variant.
Coding change: c.10324C>T on transcript NM_016239.4 (MANE Select); coding-DNA position 10324, C replaced by T.
Protein change: p.Leu3442Phe; replaces leucine 3442 with phenylalanine.
Molecular consequence: missense variant.
Genome position (GRCh38, 1-based): chr17:18,172,264, C>T. VCF-style: chr17-18172264-C-T. GRCh37 (hg19) VCF-style: chr17-18075578-C-T.
Other names: short protein forms L3442F.
Identifiers: ClinVar variation 3369710 (VCV003369710.1).